The following is an entry in ClinVar:

ClinVar aggregate classification (germline): Likely pathogenic. Review status: criteria provided, multiple submitters, no conflicts (2 of 4 stars). 4 submissions from 4 submitters: Likely pathogenic (3). 1 of the submissions does not count toward it. Last evaluated 2025-05-16.

Conditions:
Cystic fibrosis (CF). Also called: MUCOVISCIDOSIS. Identifiers: Orphanet 586, MedGen C0010674, MONDO:0009061, OMIM 219700. Disease mechanism: loss of function.
CFTR-related disorder (CFTR-RD). Also called: CFTR-related disorders; CFTR-related condition. Identifiers: MedGen C5924204, MONDO:7770004.

Allele frequency attached by ClinVar (database versions not stated): ExAC 0.00001.
gnomAD v4.1: 5 of 1,613,254 alleles (0.00031%); highest among the groups gnomAD compares: South Asian, 0.0055%; no homozygotes.

Submissions (4):

Women's Health and Genetics/Laboratory Corporation of America, LabCorp
Classification: Likely pathogenic for Cystic fibrosis. Last evaluated: 2025-05-16. Review status: criteria provided, single submitter. Criteria: LabCorp Variant Classification Summary - May 2015. Collection method: clinical testing. Allele origin: germline.
Comment: Variant summary: CFTR c.3061C>A (p.Pro1021Thr) results in a non-conservative amino acid change located in the ABC transporter type 1, transmembrane domain (IPR011527) of the encoded protein sequence. Algorithms developed to predict the effect of missense changes on protein structure and function all suggest that this variant is likely to be disruptive. The variant allele was found at a frequency of 4e-06 in 251098 control chromosomes. c.3061C>A has been reported in the literature in individuals affected with Cystic Fibrosis (e.g. Schrijver_2016, Sheikh_2017). At least one publication reports experimental evidence evaluating an impact on protein function. The most pronounced variant effect resulted in approximately (Gt channel conductance) 6% of normal chloride channel conductance relative to wild type (e.g., Bihler_2024). The following publications have been ascertained in the context of this evaluation (PMID: 38388235, 26708955, 27495225). ClinVar contains an entry for this variant (Variation ID: 550702). Based on the evidence outlined above, the variant was classified as likely pathogenic.

Cytogenetics Department, Christian Medical College, Vellore
Classification: Likely pathogenic for Cystic fibrosis. Last evaluated: 2025-05-03. Review status: criteria provided, single submitter. Criteria: ACMG Guidelines, 2015. Collection method: clinical testing. Allele origin: germline. Inheritance: Autosomal recessive inheritance. Affected: yes. Observed: 1 heterozygote.
Comment: This is a mis-sense variant resulting in substitution of threonine instead of proline at the amino acid position 1021 in the encoded protein. An alternate amino acid substitution Pro1021Ser at the same position has been reported multiple times in patients with CF with sufficient evidence to presume causation. [PMID: 8663008, VCV000053643.11, PMID: 21966101, PMID: 38966678]. This variant is rarely reported and not reported in homozygous form in population databases. It has been reported in ClinVar in relation to cystic fibrosis [VCV000550702.2]. The variant is predicted to be deleterious by computational algorithms (REVEL score 0.777).

Natera, Inc.
Classification: Likely pathogenic for CFTR-related disorders. Last evaluated: 2025-03-13. Review status: criteria provided, single submitter. Criteria: Natera Variant Classification Schema (03/2026). Collection method: clinical testing. Allele origin: germline.
Comment: The c.3061C>A variant in CFTR is a missense variant predicted to cause substitution of proline to threonine at amino acid 1021. This variant is rare in the general population with a frequency below the threshold expected for the associated phenotype(s). Functional studies show that this variant may disrupt protein function (PMID: 38388235). A different variant at the same position has been determined to be Pathogenic or Likely Pathogenic. Computational prediction algorithms indicate this variant is likely to affect gene or protein function. Given the available evidence, this variant is classified as Likely Pathogenic.

Counsyl
Classification: Uncertain significance for Cystic fibrosis. Last evaluated: 2017-02-15. Review status: no assertion criteria provided. Collection method: clinical testing. Allele origin: unknown. Not counted in ClinVar's aggregate classification.

Literature cited by the submitters: PubMed 26708955 (cited by Women's Health and Genetics/Laboratory Corporation of America, LabCorp and Counsyl); PubMed 38388235 (cited by Women's Health and Genetics/Laboratory Corporation of America, LabCorp and Natera, Inc.); PubMed 27495225 (cited by Women's Health and Genetics/Laboratory Corporation of America, LabCorp); PubMed 8663008 (cited by Cytogenetics Department, Christian Medical College, Vellore); PubMed 21966101 (cited by Cytogenetics Department, Christian Medical College, Vellore); PubMed 38966678 (cited by Cytogenetics Department, Christian Medical College, Vellore).

NM_000492.4(CFTR):c.3061C>A (p.Pro1021Thr)

Genes: CFTR (CF transmembrane conductance regulator; plus strand), CFTR-AS2 (CFTR antisense RNA 2; minus strand), LOC111674472 (DNase I hypersensitive sites in introns 16 and 17a of CFTR; plus strand). Cytogenetic location: 7q31.2.
Variant type: single nucleotide variant.
Coding change: c.3061C>A on transcript NM_000492.4 (MANE Select); coding-DNA position 3061, C replaced by A.
Protein change: p.Pro1021Thr; replaces proline 1021 with threonine.
Molecular consequence: missense variant.
Genome position (GRCh38, 1-based): chr7:117,610,591, C>A. VCF-style: chr7-117610591-C-A. GRCh37 (hg19) VCF-style: chr7-117250645-C-A.
Other names: short protein forms P1021T.
Identifiers: ClinVar variation 550702 (VCV000550702.5), dbSNP rs397508491, ClinGen allele CA4451370.